The following is an entry in ClinVar:

NM_000503.6(EYA1):c.682C>T (p.Gln228Ter)

Gene: EYA1 (EYA transcriptional coactivator and phosphatase 1; minus strand). Cytogenetic location: 8q13.3.
Variant type: single nucleotide variant.
Coding change: c.682C>T on transcript NM_000503.6 (MANE Select); coding-DNA position 682, C replaced by T.
Protein change: p.Gln228Ter; replaces glutamine 228 with a stop codon.
Molecular consequence: nonsense.
Genome position (GRCh38, 1-based): chr8:71,299,191, G>A on the plus strand (C>T on the coding strand, the complement: EYA1 is on the minus strand). VCF-style: chr8-71299191-G-A. GRCh37 (hg19) VCF-style: chr8-72211426-G-A.
Other names: c.664C>T, p.Gln222Ter (NM_001288574.2); c.316C>T, p.Gln106Ter (NM_001288575.2); c.769C>T, p.Gln257Ter (NM_001370333.1); c.682C>T, p.Gln228Ter (NM_001370334.1, NM_001370335.1, NM_172058.4); c.751C>T, p.Gln251Ter (NM_001370336.1); c.754C>T, p.Gln252Ter (NM_172059.5); c.682C>T (NM_000503.4); short protein forms Q228*, Q252*, Q257*, Q251*, Q106*, Q222*.
Identifiers: ClinVar variation 567492 (VCV000567492.10), dbSNP rs1563422304, ClinGen allele CA371467384.

ClinVar aggregate classification (germline): Pathogenic. Review status: criteria provided, multiple submitters, no conflicts (2 of 4 stars). 3 submissions from 3 submitters: Pathogenic (3). Last evaluated 2020-05-21.

Conditions:
Branchiootorenal syndrome 1. Also called: Branchio-Oto-Renal Syndrome 1. Identifiers: Orphanet 107, MedGen C4551702, MONDO:0007236, OMIM 113650.
Melnick-Fraser syndrome (BOR). Also called: Branchiootorenal syndrome; Branchio-oto-renal syndrome; Branchiootorenal Syndrome (BORS). Identifiers: Orphanet 107, MedGen C0265234, MONDO:0007029.

Submissions (3):

Victorian Clinical Genetics Services, Murdoch Childrens Research Institute
Classification: Pathogenic for Branchiootorenal syndrome 1. Last evaluated: 2020-05-21. Review status: criteria provided, single submitter. Criteria: ACMG Guidelines, 2015. Collection method: clinical testing. Allele origin: germline. Inheritance: Autosomal dominant inheritance. Affected: yes.
Comment: A heterozygous nonsense variant was identified, NM_000503.5(EYA1):c.682C>T in exon 9 of 18 of the EYA1 gene. This nonsense variant is predicted to create a change of a glutamine to a premature stop codon at amino acid position 228 of the protein; NP_000494.2(EYA1):p.(Gln228*), resulting in nonsense-mediated decay (NMD). The variant is not present in the gnomAD population database. This variant has been previously reported in a patient with branchiootorenal syndrome and other variants predicted to result in NMD have been reported as pathogenic in individuals with the same condition (ClinVar). Based on information available at the time of curation, this variant has been classified as PATHOGENIC. Legend: (P) - Pathogenic, (N) - Neutral, (B) - Benign

Equipe Genetique des Anomalies du Developpement, Université de Bourgogne
Classification: Pathogenic for Branchiootorenal syndrome 1. Last evaluated: 2020-02-17. Review status: criteria provided, single submitter. Criteria: ACMG Guidelines, 2015. Collection method: clinical testing. Allele origin: maternal. Affected: yes.

Labcorp Genetics (formerly Invitae), Labcorp
Classification: Pathogenic for Melnick-Fraser syndrome. Last evaluated: 2018-01-22. Review status: criteria provided, single submitter. Criteria: Invitae Variant Classification Sherloc (09022015). Collection method: clinical testing. Allele origin: germline.
Comment: This sequence change creates a premature translational stop signal (p.Gln228*) in the EYA1 gene. It is expected to result in an absent or disrupted protein product. This variant is not present in population databases (ExAC no frequency). This variant has not been reported in the literature in individuals with EYA1-related disease. Loss-of-function variants in EYA1 are known to be pathogenic (PMID: 18220287). For these reasons, this variant has been classified as Pathogenic.

Literature cited by the submitters: PubMed 18220287 (cited by Labcorp Genetics (formerly Invitae), Labcorp).